The following is an entry in ClinVar:

NM_000329.3(RPE65):c.484A>C (p.Thr162Pro)

Gene: RPE65 (retinoid isomerohydrolase RPE65; minus strand). Cytogenetic location: 1p31.3.
Variant type: single nucleotide variant.
Coding change: c.484A>C on transcript NM_000329.3 (MANE Select); coding-DNA position 484, A replaced by C.
Protein change: p.Thr162Pro; replaces threonine 162 with proline.
Molecular consequence: missense variant.
Genome position (GRCh38, 1-based): chr1:68,444,542, T>G on the plus strand (A>C on the coding strand, the complement: RPE65 is on the minus strand). VCF-style: chr1-68444542-T-G. GRCh37 (hg19) VCF-style: chr1-68910225-T-G.
Other names: NM_000329.3(RPE65):c.484A>C; p.Thr162Pro; short protein forms T162P.
Identifiers: ClinVar variation 870346 (VCV000870346.10), dbSNP rs774309607, ClinGen allele CA902499.

ClinVar aggregate classification (germline): Likely pathogenic. Review status: reviewed by expert panel (3 of 4 stars). 4 submissions from 4 submitters: Likely pathogenic (1). 3 of the submissions do not count toward it. Last evaluated 2024-12-12.

Conditions:
RPE65-related recessive retinopathy. Also called: Recessive RPE65 retinopathy. Identifiers: MedGen CN305526, MONDO:0100368.
Retinitis pigmentosa 20 (RP20). Identifiers: Orphanet 791, MedGen C3151086, MONDO:0013425, OMIM 613794.
Retinitis pigmentosa 87 with choroidal involvement. Identifiers: MedGen C5231465, MONDO:0032873, OMIM 618697.
Leber congenital amaurosis 2 (LCA2). Also called: Autosomal Recessive RPE65-Related Retinal Degeneration; AMAUROSIS CONGENITA OF LEBER II. Identifiers: Orphanet 65, MedGen C1859844, MONDO:0008765, OMIM 204100. Disease mechanism: loss of function.

Allele frequency attached by ClinVar (database versions not stated): gnomAD exomes below 0.00001; TOPMed below 0.00001; gnomAD 0.00001; ExAC 0.00002.
gnomAD v4.1: 7 of 1,614,042 alleles (0.00043%); highest among the groups gnomAD compares: Non-Finnish European, 0.00059%; no homozygotes.

Submissions (4):

ClinGen Leber Congenital Amaurosis/early Onset Retinal Dystrophy Variant Curation Expert Panel, ClinGen
Classification: Likely pathogenic for RPE65-related recessive retinopathy. Last evaluated: 2024-12-12. Review status: reviewed by expert panel. Criteria: ClinGen LCAeoRD ACMG Specifications RPE65 V1.0.0. Collection method: curation. Allele origin: germline. Inheritance: Autosomal recessive inheritance.
Comment: The NM_000329.3(RPE65):c.484A>C (p.Thr162Pro) variant is a missense variant in RPE65 causing a substitution of threonine with proline at position 162. This variant is present in gnomAD v.4.1.0 at a Grpmax allele frequency of 0.000002470, with 7 / 1180020 in the European (Non-Finnish) population, which is lower than the ClinGen LCA/eoRD VCEP PM2_Supporting threshold of <0.0002 (PM2_Supporting). The computational predictor REVEL gives a score of 0.916, which is above the ClinGen LCA/eoRD VCEP threshold of ≥ 0.773 and predicts a damaging effect on RPE65 function (PP3_Moderate). This variant has been reported in at least 3 probands with early-onset severe retinal dystrophy who were compound heterozygous with either the Arg91Trp variant suspected in trans, the c.370C>T (p.Arg124Ter) variant confirmed in trans, or the p.Thr306Ile variant suspected in trans, which were previously classified pathogenic or likely pathogenic by the ClinGen LCA/eoRD VCEP (1.75 total points, PM3, PMID: 20079931, laboratory-provided internal data). This variant has also been reported in a summary of genotypes for a cohort of patients with Leber Congenital Amaurosis, but no detailed phenotype information or data about a second allele was provided (PMID: 17964524). At least one patient with retinal degeneration harboring this variant in the heterozygous state has been identified with an alternative disease-causing variant in the IMPDH1 gene (VCEP member-provided data). However, the BP5 code is not applicable due to the high genetic heterogeneity and limited phenotypic specificities of retinal dystrophies, as well as the presence of this variant simply representing carrier status. At least one proband harboring this variant exhibits a phenotype including suspected diagnosis of RP/LCA (0.5 pt), decreased peripheral vision (1 pt), decreased central visual acuity (1 pt), bone spicules/RPE mottling/abnormal fundus (0.5 pt), and and 100+ retinal dystrophy gene panel testing that did not provide an alternative explanation for visual impairment (2 pts), which together are specific for RPE65-related recessive retinopathy (5 points, Invitae-provided internal data, PP4). In summary, this variant meets the criteria to be classified as Likely Pathogenic for RPE65-related recessive retinopathy based on the ACMG/AMP criteria applied, as specified by the ClinGen LCA/eoRD VCEP: PM2_Supporting, PP3_Moderate, PM3, PP4 (VCEP specifications version 1.0.0; date of approval 09/21/2023).

Fulgent Genetics
Classification: Likely pathogenic for Leber congenital amaurosis 2; Retinitis pigmentosa 20; Retinitis pigmentosa 87 with choroidal involvement. Last evaluated: 2024-04-13. Review status: criteria provided, single submitter. Criteria: ACMG Guidelines, 2015. Collection method: clinical testing. Allele origin: germline. Not counted in ClinVar's aggregate classification.

Labcorp Genetics (formerly Invitae), Labcorp
Classification: Likely pathogenic for Leber congenital amaurosis 2; Retinitis pigmentosa 20. Last evaluated: 2023-12-29. Review status: criteria provided, single submitter. Criteria: Invitae Variant Classification Sherloc (09022015). Collection method: clinical testing. Allele origin: germline. Not counted in ClinVar's aggregate classification.
Comment: This sequence change replaces threonine, which is neutral and polar, with proline, which is neutral and non-polar, at codon 162 of the RPE65 protein (p.Thr162Pro). This variant is present in population databases (rs774309607, gnomAD 0.002%). This missense change has been observed in individual(s) with Leber congenital amaurosis or retinitis pigmentosa (PMID: 17964524, 20079931; Invitae). In at least one individual the data is consistent with being in trans (on the opposite chromosome) from a pathogenic variant. ClinVar contains an entry for this variant (Variation ID: 870346). Advanced modeling of protein sequence and biophysical properties (such as structural, functional, and spatial information, amino acid conservation, physicochemical variation, residue mobility, and thermodynamic stability) performed at Invitae indicates that this missense variant is not expected to disrupt RPE65 protein function with a negative predictive value of 80%. In summary, the currently available evidence indicates that the variant is pathogenic, but additional data are needed to prove that conclusively. Therefore, this variant has been classified as Likely Pathogenic.

SIB Swiss Institute of Bioinformatics
Classification: Uncertain significance for Leber congenital amaurosis 2. Last evaluated: 2020-02-14. Review status: criteria provided, single submitter. Criteria: ACMG Guidelines, 2015. Collection method: curation. Allele origin: unknown. Not counted in ClinVar's aggregate classification.
Comment: This variant is interpreted as a variant of uncertain significance for Leber congenital amaurosis 2, autosomal recessive. The following ACMG Tag(s) were applied: PM2, PP3.

Literature cited by the submitters: PubMed 17964524 (cited by Labcorp Genetics (formerly Invitae), Labcorp and SIB Swiss Institute of Bioinformatics); PubMed 20079931 (cited by Labcorp Genetics (formerly Invitae), Labcorp).